The following is an entry in ClinVar:

NM_003737.4(DCHS1):c.4080G>A (p.Ala1360=)

Gene: DCHS1 (dachsous cadherin-related 1; minus strand). Cytogenetic location: 11p15.4.
Variant type: single nucleotide variant.
Coding change: c.4080G>A on transcript NM_003737.4 (MANE Select); coding-DNA position 4080, G replaced by A.
Protein change: p.Ala1360=; no amino-acid change (alanine 1360 retained).
Molecular consequence: synonymous variant.
Genome position (GRCh38, 1-based): chr11:6,630,714, C>T on the plus strand (G>A on the coding strand, the complement: DCHS1 is on the minus strand). VCF-style: chr11-6630714-C-T. GRCh37 (hg19) VCF-style: chr11-6651945-C-T.
Identifiers: ClinVar variation 732086 (VCV000732086.39), dbSNP rs372790303, ClinGen allele CA5860378.

ClinVar aggregate classification (germline): Conflicting classifications of pathogenicity. Review status: criteria provided, conflicting classifications (1 of 4 stars). 4 submissions from 4 submitters: Uncertain significance (1); Likely benign (3). Last evaluated 2026-04-01.

Conditions:
DCHS1-related disorder. Also called: DCHS1-related condition.

Allele frequency attached by ClinVar (database versions not stated): 1000 Genomes Project 30x 0.00016; 1000 Genomes Project 0.00020; ESP Exome Variant Server 0.00102; gnomAD exomes 0.00103; TOPMed 0.00110; gnomAD 0.00131 and 0.00137; ExAC 0.00146.

Submissions (4):

CeGaT Center for Human Genetics Tuebingen
Classification: Likely benign. Last evaluated: 2026-04-01. Review status: criteria provided, single submitter. Criteria: CeGaT Center For Human Genetics Tuebingen Variant Classification Criteria Version 2. Collection method: clinical testing. Allele origin: germline. Affected: yes. Observed: 7 variant alleles.
Comment: DCHS1: BP4, BP7

Labcorp Genetics (formerly Invitae), Labcorp
Classification: Likely benign. Last evaluated: 2026-02-01. Review status: criteria provided, single submitter. Criteria: Invitae Variant Classification Sherloc (09022015). Collection method: clinical testing. Allele origin: germline.

PreventionGenetics, part of Exact Sciences
Classification: Likely benign for DCHS1-related condition. Last evaluated: 2025-07-08. Review status: criteria provided, single submitter. Criteria: ACMG Guidelines, 2015. Collection method: clinical testing. Allele origin: germline.
Comment: This variant is classified as likely benign based on ACMG/AMP sequence variant interpretation guidelines (Richards et al. 2015 PMID: 25741868, with internal and published modifications).

GeneDx
Classification: Uncertain significance. Last evaluated: 2021-11-15. Review status: criteria provided, single submitter. Criteria: GeneDx Variant Classification Process June 2021. Collection method: clinical testing. Allele origin: germline. Affected: yes.
Comment: Has not been previously published as pathogenic or benign to our knowledge; In silico analysis suggests this variant may impact gene splicing. In the absence of RNA/functional studies, the actual effect of this sequence change is unknown.